The following is an entry in ClinVar:

ClinVar aggregate classification (germline): Likely benign (1 of 4 stars; one submission).

Allele frequency attached by ClinVar (database versions not stated): ESP Exome Variant Server 0.00015; ExAC 0.00026; TOPMed 0.00026; gnomAD 0.00027.
gnomAD v4.1: 305 of 1,614,108 alleles (0.019%); highest among the groups gnomAD compares: Middle Eastern, 0.69%; 7 homozygotes.

Submission:

CeGaT Center for Human Genetics Tuebingen
Classification: Likely benign. Last evaluated: 2026-09-01. Review status: criteria provided, single submitter. Criteria: CeGaT Center For Human Genetics Tuebingen Variant Classification Criteria Version 2. Collection method: clinical testing. Allele origin: germline. Affected: yes. Observed: 3 variant alleles.
Comment: ABCC3: BP4, BP7

NM_003786.4(ABCC3):c.1512C>T (p.Tyr504=)

Gene: ABCC3 (ATP binding cassette subfamily C member 3; plus strand). Cytogenetic location: 17q21.33.
Variant type: single nucleotide variant.
Coding change: c.1512C>T on transcript NM_003786.4 (MANE Select); coding-DNA position 1512, C replaced by T.
Protein change: p.Tyr504=; no amino-acid change (tyrosine 504 retained).
Molecular consequence: synonymous variant.
Genome position (GRCh38, 1-based): chr17:50,667,634, C>T. VCF-style: chr17-50667634-C-T. GRCh37 (hg19) VCF-style: chr17-48744995-C-T.
Other names: c.1512C>T, p.Tyr504= (NM_001144070.2).
Identifiers: ClinVar variation 2647944 (VCV002647944.24), dbSNP rs139425802, ClinGen allele CA8654475.
Genomic context (GRCh38, chr17:50,667,634, plus strand): 5'-GGACTCGCGCATCAAGCTGATGAGTGAGATCCTGAACGGCATCAAGGTGCTGAAGCTGTA[C>T]GCCTGGGAGCCCAGCTTCCTGAAGCAGGTGGAGGGCATCAGGCAGGGTGAGCTCCAGCTG-3'
Protein context (NP_003777.2, residues 494-514): ILNGIKVLKL[Tyr504=]AWEPSFLKQV